The following is an entry in ClinVar:

NM_000256.3(MYBPC3):c.2308+12C>T

Gene: MYBPC3 (myosin binding protein C3; minus strand). Cytogenetic location: 11p11.2.
Variant type: single nucleotide variant.
Coding change: c.2308+12C>T on transcript NM_000256.3 (MANE Select); 12 bases into the intron after coding-DNA position 2308, C replaced by T.
Molecular consequence: intron variant.
Genome position (GRCh38, 1-based): chr11:47,338,508, G>A on the plus strand (C>T on the coding strand, the complement: MYBPC3 is on the minus strand). VCF-style: chr11-47338508-G-A. GRCh37 (hg19) VCF-style: chr11-47360059-G-A.
Identifiers: ClinVar variation 180082 (VCV000180082.11), dbSNP rs727505335, ClinGen allele CA011984.

ClinVar aggregate classification (germline): Benign/Likely benign. Review status: criteria provided, multiple submitters, no conflicts (2 of 4 stars). 4 submissions from 4 submitters: Benign (1); Likely benign (2). 1 of the submissions does not count toward it. Last evaluated 2025-11-23.

Conditions:
Hypertrophic cardiomyopathy 4. Also called: Familial hypertrophic cardiomyopathy 4. Identifiers: MedGen C1861862, MONDO:0007268, OMIM 115197.
Hypertrophic cardiomyopathy. Also called: HYPERTROPHIC MYOCARDIOPATHY. Identifiers: Orphanet 217569, MedGen C0007194, MeSH D002312, MONDO:0005045, HP:0001639.

Allele frequency attached by ClinVar (database versions not stated): gnomAD 0.00001 and 0.00003; gnomAD exomes 0.00002; TOPMed 0.00002; ExAC 0.00003.
gnomAD v4.1: 34 of 1,613,814 alleles (0.0021%); highest among the groups gnomAD compares: South Asian, 0.012%; 1 homozygote.

Submissions (4):

Labcorp Genetics (formerly Invitae), Labcorp
Classification: Likely benign for Hypertrophic cardiomyopathy. Last evaluated: 2025-11-23. Review status: criteria provided, single submitter. Criteria: Invitae Variant Classification Sherloc (09022015). Collection method: clinical testing. Allele origin: germline.

Clinical Genetics DNA and cytogenetics Diagnostics Lab, Erasmus MC, Erasmus Medical Center
Classification: Benign for Hypertrophic cardiomyopathy 4. Last evaluated: 2015-09-21. Review status: criteria provided, single submitter. Criteria: ACGS Guidelines, 2013. Collection method: clinical testing. Allele origin: germline. Affected: yes. Study: VKGL Data-share Consensus.

Laboratory for Molecular Medicine, Mass General Brigham Personalized Medicine
Classification: Likely benign. Last evaluated: 2014-11-05. Review status: criteria provided, single submitter. Criteria: LMM Criteria. Collection method: clinical testing. Allele origin: germline. Observed: 1 variant allele.
Comment: c.2308+12C>T in intron 23 of MYBPC3: This variant is not expected to have clinic al significance because it is not located within the splice consensus sequence. It has been identified in 2/16,584 South Asian chromosomes by the Exome Aggregat ion Consortium (ExAC).

Clinical Genetics, Academic Medical Center
Classification: Benign. Review status: no assertion criteria provided. Collection method: clinical testing. Allele origin: germline. Affected: yes. Study: VKGL Data-share Consensus. Not counted in ClinVar's aggregate classification.